The following is an entry in ClinVar:

NM_024757.5(EHMT1):c.21+3G>T

Genes: EHMT1 (euchromatic histone lysine methyltransferase 1; plus strand), LOC130003135 (ATAC-STARR-seq lymphoblastoid silent region 20636; plus strand). Cytogenetic location: 9q34.3.
Variant type: single nucleotide variant.
Coding change: c.21+3G>T on transcript NM_024757.5 (MANE Select); 3 bases into the intron after coding-DNA position 21, G replaced by T.
Molecular consequence: intron variant.
Genome position (GRCh38, 1-based): chr9:137,619,052, G>T. VCF-style: chr9-137619052-G-T. GRCh37 (hg19) VCF-style: chr9-140513504-G-T.
Other names: c.21+3G>T (NM_001354263.2, NM_001145527.2, NM_001354611.2); c.-9+3G>T (NM_001354259.2, NM_001354612.2).
Identifiers: ClinVar variation 1397528 (VCV001397528.6), dbSNP rs2133371890, ClinGen allele CA2573144414.

ClinVar aggregate classification (germline): Uncertain significance (1 of 4 stars; one submission).

Conditions:
Kleefstra syndrome 1 (KLEFS1). Identifiers: Orphanet 261494, MedGen C0795833, MONDO:0027407, OMIM 610253.

Submission:

Labcorp Genetics (formerly Invitae), Labcorp
Classification: Uncertain significance for Kleefstra syndrome 1. Last evaluated: 2021-05-26. Review status: criteria provided, single submitter. Criteria: Invitae Variant Classification Sherloc (09022015). Collection method: clinical testing. Allele origin: germline.
Comment: In summary, the available evidence is currently insufficient to determine the role of this variant in disease. Therefore, it has been classified as a Variant of Uncertain Significance. Nucleotide substitutions within the consensus splice site are a relatively common cause of aberrant splicing (PMID: 17576681, 9536098). Algorithms developed to predict the effect of sequence changes on RNA splicing suggest that this variant may disrupt the consensus splice site, but this prediction has not been confirmed by published transcriptional studies. This variant has not been reported in the literature in individuals with EHMT1-related conditions. The frequency data for this variant in the population databases is considered unreliable, as metrics indicate insufficient coverage at this position in the ExAC database. This sequence change falls in intron 1 of the EHMT1 gene. It does not directly change the encoded amino acid sequence of the EHMT1 protein. It affects a nucleotide within the consensus splice site of the intron.

Literature cited by the submitters: PubMed 17576681; PubMed 9536098.